The following is an entry in ClinVar:

NM_033305.3(VPS13A):c.1395_1396delinsGTATAAGAGACAG (p.Leu466fs)

Gene: VPS13A (vacuolar protein sorting 13 homolog A; plus strand). Cytogenetic location: 9q21.2.
Variant type: Indel.
Coding change: c.1395_1396delinsGTATAAGAGACAG on transcript NM_033305.3 (MANE Select); coding-DNA positions 1395 to 1396, AC replaced by GTATAAGAGACAG.
Protein change: p.Leu466fs; shifts the reading frame from leucine 466.
Molecular consequence: frameshift variant.
Genome position (GRCh38, 1-based): chr9:77,227,428-77,227,429, AC replaced by GTATAAGAGACAG. VCF-style: chr9-77227428-AC-GTATAAGAGACAG. GRCh37 (hg19) VCF-style: chr9-79842344-AC-GTATAAGAGACAG.
Other names: c.1395_1396delinsGTATAAGAGACAG, p.Leu466fs (NM_001018037.2, NM_001018038.3, NM_015186.4); short protein forms L466fs.
Identifiers: ClinVar variation 5010679 (VCV005010679.1).

ClinVar aggregate classification (germline): Pathogenic (1 of 4 stars; one submission).

Conditions:
VPS13A-related neurodegenerative disease. Also called: ACANTHOCYTOSIS WITH NEUROLOGIC DISORDER; LEVINE-CRITCHLEY SYNDROME; Choreoacanthocytosis; Chorea-acanthocytosis; Choreaacanthocytosis; VPS13A Disease. Identifiers: Orphanet 2388, MedGen C0393576, MONDO:0008695, OMIM 200150.

Submission:

Myriad Genetics, Inc.
Classification: Pathogenic for VPS13A-related neurodegenerative disease. Last evaluated: 2024-05-14. Review status: criteria provided, single submitter. Criteria: Myriad Autosomal Dominant, Autosomal Recessive and X-Linked Classification Criteria (2023). Collection method: clinical testing. Allele origin: unknown.
Comment: NM_033305.2(VPS13A):c.1395_1396del2ins13(L466Yfs*21) is expected to be pathogenic in the context of VPS13A disease. This variant is predicted to lead to an abnormal or absent protein product due to the creation of a premature termination codon in VPS13A, a gene where loss-of-function variants are known to be pathogenic. Please note: this variant was assessed in the context of healthy population screening.